The following is an entry in ClinVar:

ClinVar aggregate classification (germline): Uncertain significance (1 of 4 stars; one submission).

Allele frequency attached by ClinVar (database versions not stated): 1000 Genomes Project 0.00020; 1000 Genomes Project 30x 0.00016.

Submission:

Labcorp Genetics (formerly Invitae), Labcorp
Classification: Uncertain significance. Last evaluated: 2025-03-01. Review status: criteria provided, single submitter. Criteria: Invitae Variant Classification Sherloc (09022015). Collection method: clinical testing. Allele origin: germline.
Comment: This sequence change replaces histidine, which is basic and polar, with tyrosine, which is neutral and polar, at codon 432 of the CHUK protein (p.His432Tyr). This variant is present in population databases (rs148145073, gnomAD 0.002%). This variant has not been reported in the literature in individuals affected with CHUK-related conditions. ClinVar contains an entry for this variant (Variation ID: 2958348). An algorithm developed to predict the effect of missense changes on protein structure and function (PolyPhen-2) suggests that this variant is likely to be tolerated. In summary, the available evidence is currently insufficient to determine the role of this variant in disease. Therefore, it has been classified as a Variant of Uncertain Significance.

NM_001278.5(CHUK):c.1294C>T (p.His432Tyr)

Gene: CHUK (component of inhibitor of nuclear factor kappa B kinase complex; minus strand). Cytogenetic location: 10q24.31.
Variant type: single nucleotide variant.
Coding change: c.1294C>T on transcript NM_001278.5 (MANE Select); coding-DNA position 1294, C replaced by T.
Protein change: p.His432Tyr; replaces histidine 432 with tyrosine.
Molecular consequence: missense variant.
Genome position (GRCh38, 1-based): chr10:100,205,137, G>A on the plus strand (C>T on the coding strand, the complement: CHUK is on the minus strand). VCF-style: chr10-100205137-G-A. GRCh37 (hg19) VCF-style: chr10-101964894-G-A.
Other names: c.1294C>T, p.His432Tyr (NM_001320928.2); short protein forms H432Y.
Identifiers: ClinVar variation 2958348 (VCV002958348.3), dbSNP rs148145073, ClinGen allele CA5646483.